The following is an entry in ClinVar:

ClinVar aggregate classification (germline): Uncertain significance. Review status: criteria provided, multiple submitters, no conflicts (2 of 4 stars). 2 submissions from 2 submitters: Uncertain significance (2). Last evaluated 2026-08-11.

Conditions:
Hereditary cancer-predisposing syndrome. Also called: Neoplastic Syndromes, Hereditary; Tumor predisposition; Hereditary Cancer Syndrome; Hereditary neoplastic syndrome. Identifiers: Orphanet 140162, MedGen C0027672, MeSH D009386, MONDO:0015356.

Submissions (2):

Ambry Genetics
Classification: Uncertain significance for Hereditary cancer-predisposing syndrome. Last evaluated: 2026-08-11. Review status: criteria provided, single submitter. Criteria: Ambry Variant Classification Scheme 2023. Collection method: clinical testing. Allele origin: germline.
Comment: The p.P499L variant (also known as c.1496C>T), located in coding exon 13 of the TSC1 gene, results from a C to T substitution at nucleotide position 1496. The proline at codon 499 is replaced by leucine, an amino acid with similar properties. This amino acid position is conserved. In addition, the in silico prediction for this alteration is inconclusive. Based on the available evidence, the clinical significance of this variant remains unclear.

Dasa
Classification: Uncertain significance. Last evaluated: 2026-06-20. Review status: criteria provided, single submitter. Criteria: DASA Assertion Criteria. Collection method: clinical testing. Allele origin: germline.
Comment: NM_000368.5(TSC1):c.1496C>T (p.Pro499Leu) is a missense variant that results in the substitution of proline with leucine. This variant is rare in population databases. The currently available literature and clinical evidence are not sufficient to establish a definitive association between this variant and the reported condition. Therefore, this variant is classified as a variant of uncertain significance.

NM_000368.5(TSC1):c.1496C>T (p.Pro499Leu)

Gene: TSC1 (TSC complex subunit 1; minus strand). Cytogenetic location: 9q34.13.
Variant type: single nucleotide variant.
Coding change: c.1496C>T on transcript NM_000368.5 (MANE Select); coding-DNA position 1496, C replaced by T.
Protein change: p.Pro499Leu; replaces proline 499 with leucine.
Molecular consequence: missense variant. On other transcripts: non-coding transcript variant (5).
Genome position (GRCh38, 1-based): chr9:132,906,082, G>A on the plus strand (C>T on the coding strand, the complement: TSC1 is on the minus strand). VCF-style: chr9-132906082-G-A. GRCh37 (hg19) VCF-style: chr9-135781469-G-A.
Other names: c.1340C>T, p.Pro447Leu (NM_001406612.1, NM_001406613.1, NM_001406611.1); c.1133C>T, p.Pro378Leu (NM_001406614.1, NM_001406615.1, NM_001406616.1 and 5 more transcripts); c.1493C>T, p.Pro498Leu (NM_001406608.1, NM_001406609.1, NM_001162426.2 and 6 more transcripts); c.1343C>T, p.Pro448Leu (NM_001406610.1, NM_001162427.2); c.1496C>T, p.Pro499Leu (NM_001406592.1, NM_001406593.1, NM_001406594.1 and 7 more transcripts); c.1130C>T, p.Pro377Leu (NM_001406620.1, NM_001406621.1, NM_001406622.1 and 2 more transcripts); c.545C>T, p.Pro182Leu (NM_001406626.1); c.542C>T, p.Pro181Leu (NM_001406627.1, NM_001406628.1); and 1 more; short protein forms P148L, P181L, P182L, P377L, P378L, P447L, P448L, P498L.
Identifiers: ClinVar variation 5020335 (VCV005020335.2).